The following is an entry in ClinVar:

ClinVar aggregate classification (germline): Uncertain significance (1 of 4 stars; one submission).

Conditions:
Ehlers-Danlos syndrome, classic type, 1 (EDSCL1). Also called: EHLERS-DANLOS SYNDROME, GRAVIS TYPE; EHLERS-DANLOS SYNDROME, SEVERE CLASSIC TYPE; Ehlers-Danlos syndrome, type 1; Ehlers-Danlos Syndrome, Classic Type, COL5A1-Related; EDS I. Identifiers: MedGen C0268335, MONDO:0019567, OMIM 130000.
Osteogenesis imperfecta type I (OI1). Also called: OI, TYPE I; OSTEOGENESIS IMPERFECTA TARDA; OSTEOGENESIS IMPERFECTA WITH BLUE SCLERAE; Osteogenesis imperfecta type 1; Lobstein's Disease; Lobstein disease. Identifiers: Orphanet 216796, Orphanet 666, MedGen C0023931, MONDO:0008146, OMIM 166200. Disease mechanism: loss of function.

gnomAD v4.1: 1 of 1,613,572 alleles (0.000062%); highest among the groups gnomAD compares: Non-Finnish European, 0.000085%; no homozygotes.

Submission:

Labcorp Genetics (formerly Invitae), Labcorp
Classification: Uncertain significance for Osteogenesis imperfecta type I; Ehlers-Danlos syndrome, classic type, 1. Last evaluated: 2025-08-11. Review status: criteria provided, single submitter. Criteria: Invitae Variant Classification Sherloc (09022015). Collection method: clinical testing. Allele origin: germline.
Comment: This sequence change replaces serine, which is neutral and polar, with tyrosine, which is neutral and polar, at codon 251 of the COL1A2 protein (p.Ser251Tyr). This variant is present in population databases (no rsID available, gnomAD 0.007%). This variant has not been reported in the literature in individuals affected with COL1A2-related conditions. Invitae Evidence Modeling of protein sequence and biophysical properties (such as structural, functional, and spatial information, amino acid conservation, physicochemical variation, residue mobility, and thermodynamic stability) indicates that this missense variant is not expected to disrupt COL1A2 protein function with a negative predictive value of 80%. In summary, the available evidence is currently insufficient to determine the role of this variant in disease. Therefore, it has been classified as a Variant of Uncertain Significance.

NM_000089.4(COL1A2):c.752C>A (p.Ser251Tyr)

Gene: COL1A2 (collagen type I alpha 2 chain; plus strand). Cytogenetic location: 7q21.3.
Variant type: single nucleotide variant.
Coding change: c.752C>A on transcript NM_000089.4 (MANE Select); coding-DNA position 752, C replaced by A.
Protein change: p.Ser251Tyr; replaces serine 251 with tyrosine.
Molecular consequence: missense variant.
Genome position (GRCh38, 1-based): chr7:94,408,783, C>A. VCF-style: chr7-94408783-C-A. GRCh37 (hg19) VCF-style: chr7-94038095-C-A.
Other names: short protein forms S251Y.
Identifiers: ClinVar variation 4783358 (VCV004783358.1).